The following is an entry in ClinVar:

ClinVar aggregate classification (germline): Uncertain significance. Review status: criteria provided, multiple submitters, no conflicts (2 of 4 stars). 2 submissions from 2 submitters: Uncertain significance (2). Last evaluated 2026-07-08.

Conditions:
PLEC-related disorder. Also called: PLEC-related condition; PLEC-related disorders.
Epidermolysis bullosa simplex, Ogna type (EBS5A). Also called: Pidermolysis bullosa simplex 5A, Ogna type; EPIDERMOLYSIS BULLOSA SIMPLEX 5A, OGNA TYPE. Identifiers: Orphanet 79401, MedGen C0432317, MONDO:0007555, OMIM 131950.
Autosomal recessive limb-girdle muscular dystrophy type 2Q (LGMDR17). Also called: MUSCULAR DYSTROPHY, LIMB-GIRDLE, AUTOSOMAL RECESSIVE 17. Identifiers: Orphanet 254361, MedGen C3150989, MONDO:0013390, OMIM 613723.
Epidermolysis bullosa simplex with nail dystrophy (EBS5D). Identifiers: MedGen C4225309, MONDO:0014661, OMIM 616487.
Epidermolysis bullosa simplex 5C, with pyloric atresia (EBS5C). Also called: PLEC-Related Epidermolysis Bullosa with Pyloric Atresia; Epidermolysis bullosa simplex with pyloric atresia; PLEC1-Related Epidermolysis Bullosa with Pyloric Atresia. Identifiers: Orphanet 158684, MedGen C2677349, MONDO:0012807, OMIM 612138.
Epidermolysis bullosa simplex 5B, with muscular dystrophy (EBS5B). Also called: Epidermolysis bullosa simplex with muscular dystrophy; EPIDERMOLYSIS BULLOSA SIMPLEX AND LIMB-GIRDLE MUSCULAR DYSTROPHY. Identifiers: Orphanet 257, MedGen C2931072, MONDO:0009181, OMIM 226670.

Allele frequency attached by ClinVar (database versions not stated): TOPMed below 0.00001; gnomAD 0.00001; gnomAD exomes 0.00001; ExAC 0.00002.
gnomAD v4.1: 26 of 1,610,408 alleles (0.0016%); highest among the groups gnomAD compares: South Asian, 0.0033%; no homozygotes.

Submissions (2):

PreventionGenetics, part of Exact Sciences
Classification: Uncertain significance for PLEC-related condition. Last evaluated: 2026-07-08. Review status: criteria provided, single submitter. Criteria: ACMG Guidelines, 2015. Collection method: clinical testing. Allele origin: germline.
Comment: The PLEC c.13309G>A variant is predicted to result in the amino acid substitution p.Glu4437Lys. To our knowledge, this variant has not been reported in the literature. This variant is reported in 0.0041% of alleles in individuals of European (Finnish) descent in gnomAD. At this time, the clinical significance of this variant is uncertain due to the absence of conclusive functional and genetic evidence.

Labcorp Genetics (formerly Invitae), Labcorp
Classification: Uncertain significance for Autosomal recessive limb-girdle muscular dystrophy type 2Q; Epidermolysis bullosa simplex, Ogna type; Epidermolysis bullosa simplex with nail dystrophy; Epidermolysis bullosa simplex 5C, with pyloric atresia; Epidermolysis bullosa simplex 5B, with muscular dystrophy. Last evaluated: 2025-09-29. Review status: criteria provided, single submitter. Criteria: Invitae Variant Classification Sherloc (09022015). Collection method: clinical testing. Allele origin: germline.
Comment: This sequence change replaces glutamic acid, which is acidic and polar, with lysine, which is basic and polar, at codon 4437 of the PLEC protein (p.Glu4437Lys). This variant is present in population databases (rs782001877, gnomAD 0.004%). This variant has not been reported in the literature in individuals affected with PLEC-related conditions. ClinVar contains an entry for this variant (Variation ID: 2953284). Invitae Evidence Modeling of protein sequence and biophysical properties (such as structural, functional, and spatial information, amino acid conservation, physicochemical variation, residue mobility, and thermodynamic stability) indicates that this missense variant is not expected to disrupt PLEC protein function with a negative predictive value of 80%. In summary, the available evidence is currently insufficient to determine the role of this variant in disease. Therefore, it has been classified as a Variant of Uncertain Significance.

NM_201384.3(PLEC):c.13228G>A (p.Glu4410Lys)

Gene: PLEC (plectin; minus strand). Cytogenetic location: 8q24.3.
Variant type: single nucleotide variant.
Coding change: c.13228G>A on transcript NM_201384.3 (MANE Select); coding-DNA position 13228, G replaced by A.
Protein change: p.Glu4410Lys; replaces glutamic acid 4410 with lysine.
Molecular consequence: missense variant.
Genome position (GRCh38, 1-based): chr8:143,916,593, C>T on the plus strand (G>A on the coding strand, the complement: PLEC is on the minus strand). VCF-style: chr8-143916593-C-T. GRCh37 (hg19) VCF-style: chr8-144990761-C-T.
Other names: c.13309G>A, p.Glu4437Lys (NM_000445.5); c.9928G>A, p.Glu3310Lys (NM_001410941.1); c.13186G>A, p.Glu4396Lys (NM_201378.4); c.13162G>A, p.Glu4388Lys (NM_201379.3); c.13639G>A, p.Glu4547Lys (NM_201380.4); c.13309G>A (NM_000445.4); c.13132G>A, p.Glu4378Lys (NM_201381.3); c.13228G>A, p.Glu4410Lys (NM_201382.4); and 1 more; short protein forms E3310K, E4378K, E4396K, E4437K, E4547K, E4388K, E4410K, E4414K.
Identifiers: ClinVar variation 2953284 (VCV002953284.4), dbSNP rs782001877, ClinGen allele CA4923875.